The following is an entry in ClinVar:

ClinVar aggregate classification (germline): Pathogenic (1 of 4 stars; one submission).

Conditions:
Hypertrophic cardiomyopathy 4. Also called: Familial hypertrophic cardiomyopathy 4. Identifiers: MedGen C1861862, MONDO:0007268, OMIM 115197.

Submission:

Agnes Ginges Centre for Molecular Cardiology, Centenary Institute
Classification: Pathogenic for Hypertrophic cardiomyopathy 4. Last evaluated: 2018-10-15. Review status: criteria provided, single submitter. Criteria: ACMG Guidelines, 2015. Collection method: research. Allele origin: germline. Inheritance: Autosomal dominant inheritance. Affected: yes.
Comment: MYBPC3 Phe1159Leufs*11 has not been previously reported and is absent from the Genome Aggregation Database. Since loss of function MYBPC3 variants are a known mechanism of disease and because the variant is rare in the general population we classify MYBPC3 Phe1159Leufs*11 as 'Pathogenic'.

Literature cited by the submitters: PubMed 28615295; PubMed 28408708; PubMed 28193612.

NM_000256.3(MYBPC3):c.3476_3477insATTT (p.Phe1159fs)

Gene: MYBPC3 (myosin binding protein C3; minus strand). Cytogenetic location: 11p11.2.
Variant type: Insertion.
Coding change: c.3476_3477insATTT on transcript NM_000256.3 (MANE Select); coding-DNA positions 3476 to 3477, ATTT inserted.
Protein change: p.Phe1159fs; shifts the reading frame from phenylalanine 1159.
Molecular consequence: frameshift variant.
Genome position: GRCh38 VCF-style: chr11-47332827-A-AAAAT. GRCh37 (hg19) VCF-style: chr11-47354378-A-AAAAT.
Other names: short protein forms F1159fs.
Identifiers: ClinVar variation 810764 (VCV000810764.1), dbSNP rs1595841206, ClinGen allele CA915948129.